The following is an entry in ClinVar:

NM_004963.4(GUCY2C):c.1055C>T (p.Ala352Val)

Genes: GUCY2C (guanylate cyclase 2C; minus strand), GUCY2C-AS1 (GUCY2C antisense RNA 1; plus strand). Cytogenetic location: 12p12.3.
Variant type: single nucleotide variant.
Coding change: c.1055C>T on transcript NM_004963.4 (MANE Select); coding-DNA position 1055, C replaced by T.
Protein change: p.Ala352Val; replaces alanine 352 with valine.
Molecular consequence: missense variant.
Genome position (GRCh38, 1-based): chr12:14,674,654, G>A on the plus strand (C>T on the coding strand, the complement: GUCY2C is on the minus strand). VCF-style: chr12-14674654-G-A. GRCh37 (hg19) VCF-style: chr12-14827588-G-A.
Other names: short protein forms A352V.
Identifiers: ClinVar variation 2878719 (VCV002878719.3), dbSNP rs1948189422, ClinGen allele CA384000995.

ClinVar aggregate classification (germline): Uncertain significance (1 of 4 stars; one submission).

gnomAD v4.1: 1 of 1,613,482 alleles (0.000062%); no homozygotes.

Submission:

Labcorp Genetics (formerly Invitae), Labcorp
Classification: Uncertain significance. Last evaluated: 2023-08-04. Review status: criteria provided, single submitter. Criteria: Invitae Variant Classification Sherloc (09022015). Collection method: clinical testing. Allele origin: germline.
Comment: In summary, the available evidence is currently insufficient to determine the role of this variant in disease. Therefore, it has been classified as a Variant of Uncertain Significance. Advanced modeling of protein sequence and biophysical properties (such as structural, functional, and spatial information, amino acid conservation, physicochemical variation, residue mobility, and thermodynamic stability) performed at Invitae indicates that this missense variant is not expected to disrupt GUCY2C protein function. This variant has not been reported in the literature in individuals affected with GUCY2C-related conditions. This variant is not present in population databases (gnomAD no frequency). This sequence change replaces alanine, which is neutral and non-polar, with valine, which is neutral and non-polar, at codon 352 of the GUCY2C protein (p.Ala352Val).